The following is an entry in ClinVar:

NM_173630.4(RTTN):c.803A>G (p.Asn268Ser)

Gene: RTTN (rotatin; minus strand). Cytogenetic location: 18q22.2.
Variant type: single nucleotide variant.
Coding change: c.803A>G on transcript NM_173630.4 (MANE Select); coding-DNA position 803, A replaced by G.
Protein change: p.Asn268Ser; replaces asparagine 268 with serine.
Molecular consequence: missense variant. On other transcripts: 5 prime UTR variant (1).
Genome position (GRCh38, 1-based): chr18:70,196,539, T>C on the plus strand (A>G on the coding strand, the complement: RTTN is on the minus strand). VCF-style: chr18-70196539-T-C. GRCh37 (hg19) VCF-style: chr18-67863775-T-C.
Other names: c.-1751A>G (NM_001318520.2); c.803A>G (NM_173630.3); short protein forms N268S.
Identifiers: ClinVar variation 2913443 (VCV002913443.4), dbSNP rs373431248, ClinGen allele CA8996363.

ClinVar aggregate classification (germline): Uncertain significance. Review status: criteria provided, multiple submitters, no conflicts (2 of 4 stars). 2 submissions from 2 submitters: Uncertain significance (2). Last evaluated 2025-06-12.

Conditions:
Inborn genetic diseases. Identifiers: MedGen C0950123, MeSH D030342.

Allele frequency attached by ClinVar (database versions not stated): ExAC 0.00003; gnomAD exomes 0.00003; TOPMed 0.00003; gnomAD 0.00005; ESP Exome Variant Server 0.00008.
gnomAD v4.1: 49 of 1,612,498 alleles (0.003%); highest among the groups gnomAD compares: Non-Finnish European, 0.0039%; no homozygotes.

Submissions (2):

Ambry Genetics
Classification: Uncertain significance for Inborn genetic diseases. Last evaluated: 2025-06-12. Review status: criteria provided, single submitter. Criteria: Ambry Variant Classification Scheme 2023. Collection method: clinical testing. Allele origin: germline.

Labcorp Genetics (formerly Invitae), Labcorp
Classification: Uncertain significance. Last evaluated: 2023-11-28. Review status: criteria provided, single submitter. Criteria: Invitae Variant Classification Sherloc (09022015). Collection method: clinical testing. Allele origin: germline.
Comment: This sequence change replaces asparagine, which is neutral and polar, with serine, which is neutral and polar, at codon 268 of the RTTN protein (p.Asn268Ser). The frequency data for this variant in the population databases is considered unreliable, as metrics indicate poor data quality at this position in the gnomAD database. This variant has not been reported in the literature in individuals affected with RTTN-related conditions. Advanced modeling of protein sequence and biophysical properties (such as structural, functional, and spatial information, amino acid conservation, physicochemical variation, residue mobility, and thermodynamic stability) performed at Invitae indicates that this missense variant is not expected to disrupt RTTN protein function with a negative predictive value of 80%. In summary, the available evidence is currently insufficient to determine the role of this variant in disease. Therefore, it has been classified as a Variant of Uncertain Significance.